The following is an entry in ClinVar:

NM_000287.4(PEX6):c.1549C>A (p.Arg517=)

Gene: PEX6 (peroxisomal biogenesis factor 6; minus strand). Cytogenetic location: 6p21.1.
Variant type: single nucleotide variant.
Coding change: c.1549C>A on transcript NM_000287.4 (MANE Select); coding-DNA position 1549, C replaced by A.
Protein change: p.Arg517=; no amino-acid change (arginine 517 retained).
Molecular consequence: synonymous variant. On other transcripts: non-coding transcript variant (1).
Genome position (GRCh38, 1-based): chr6:42,968,429, G>T on the plus strand (C>A on the coding strand, the complement: PEX6 is on the minus strand). VCF-style: chr6-42968429-G-T. GRCh37 (hg19) VCF-style: chr6-42936167-G-T.
Other names: c.1285C>A, p.Arg429= (NM_001316313.2).
Identifiers: ClinVar variation 1010363 (VCV001010363.6), dbSNP rs754790139, ClinGen allele CA450253861.
Genomic context (GRCh38, chr6:42,968,429, plus strand): 5'-CCCGGCCCAGAAGGTCCACAGCTGTGAGCAACAGGACTGCAGGCCGGCAACGGCGGGCCC[G>T]GGAGAAGATGGCCTGCAGTTTTGTCTCCACAGCCCCACTACTTTCTGCACAGAGGCTGGA-3'
Protein context (NP_000278.3, residues 507-527): VETKLQAIFS[Arg517=]ARRCRPAVLL

ClinVar aggregate classification (germline): Uncertain significance (1 of 4 stars; one submission).

Conditions:
Peroxisome biogenesis disorder. Identifiers: Orphanet 79189, MedGen C1832200, MONDO:0019234. Disease mechanism: loss of function.

Submission:

Labcorp Genetics (formerly Invitae), Labcorp
Classification: Uncertain significance for Peroxisome biogenesis disorder. Last evaluated: 2021-08-27. Review status: criteria provided, single submitter. Criteria: Invitae Variant Classification Sherloc (09022015). Collection method: clinical testing. Allele origin: germline.
Comment: This sequence change affects codon 517 of the PEX6 mRNA. It is a 'silent' change, meaning that it does not change the encoded amino acid sequence of the PEX6 protein. This variant is not present in population databases (ExAC no frequency). This variant has not been reported in the literature in individuals affected with PEX6-related conditions. Algorithms developed to predict the effect of sequence changes on RNA splicing suggest that this variant may create or strengthen a splice site. In summary, the available evidence is currently insufficient to determine the role of this variant in disease. Therefore, it has been classified as a Variant of Uncertain Significance.